The following is an entry in ClinVar:

NM_007294.4(BRCA1):c.765G>C (p.Glu255Asp)

Gene: BRCA1 (BRCA1 DNA repair associated; minus strand). Cytogenetic location: 17q21.31.
Variant type: single nucleotide variant.
Coding change: c.765G>C on transcript NM_007294.4 (MANE Select); coding-DNA position 765, G replaced by C.
Protein change: p.Glu255Asp; replaces glutamic acid 255 with aspartic acid.
Molecular consequence: missense variant. On other transcripts: non-coding transcript variant (1).
Genome position (GRCh38, 1-based): chr17:43,094,766, C>G on the plus strand (G>C on the coding strand, the complement: BRCA1 is on the minus strand). VCF-style: chr17-43094766-C-G. GRCh37 (hg19) VCF-style: chr17-41246783-C-G.
Other names: c.639G>C, p.Glu213Asp (NM_001407691.1, NM_001407649.1, NM_001407670.1 and 20 more transcripts); c.624G>C, p.Glu208Asp (NM_001407692.1, NM_001407694.1, NM_001407695.1 and 43 more transcripts); c.621G>C, p.Glu207Asp (NM_001407740.1, NM_001407741.1, NM_001407742.1 and 26 more transcripts); c.552G>C, p.Glu184Asp (NM_001407571.1, NM_001407853.1, NM_001407894.1 and 12 more transcripts); c.765G>C, p.Glu255Asp (NM_001407581.1, NM_001407582.1, NM_001407583.1 and 54 more transcripts); c.762G>C, p.Glu254Asp (NM_001407587.1, NM_001407590.1, NM_001407591.1 and 38 more transcripts); c.756G>C, p.Glu252Asp (NM_001407646.1, NM_001407647.1, NM_001408408.1); c.642G>C, p.Glu214Asp (NM_001407648.1, NM_001407664.1, NM_001407665.1 and 34 more transcripts); and 14 more; short protein forms E255D, E208D, E144D, E185D, E187D, E210D, E87D, E127D.
Identifiers: ClinVar variation 662612 (VCV000662612.12), dbSNP rs62625299, ClinGen allele CA10600554.

ClinVar aggregate classification (germline): Conflicting classifications of pathogenicity. Review status: criteria provided, conflicting classifications (1 of 4 stars). 2 submissions from 2 submitters: Uncertain significance (1); Likely benign (1). Last evaluated 2023-03-23.

Conditions:
Hereditary breast ovarian cancer syndrome. Also called: Hereditary breast and ovarian cancer syndrome (HBOC); Hereditary breast and ovarian cancer syndrome; Breast and ovarian cancer; Hereditary breast and ovarian cancer; Hereditary breast and/or ovarian cancer syndrome; BRCA1- and BRCA2-Associated Hereditary Breast and Ovarian Cancer. Identifiers: Orphanet 145, MedGen C0677776, MeSH D061325, MONDO:0003582. Disease mechanism: loss of function.
Hereditary cancer-predisposing syndrome. Also called: Neoplastic Syndromes, Hereditary; Tumor predisposition; Hereditary neoplastic syndrome; Hereditary Cancer Syndrome. Identifiers: Orphanet 140162, MedGen C0027672, MeSH D009386, MONDO:0015356.

gnomAD v4.1: 1 of 1,611,322 alleles (0.000062%); highest among the groups gnomAD compares: South Asian, 0.0011%; no homozygotes.

Submissions (2):

University of Washington Department of Laboratory Medicine, University of Washington
Classification: Likely benign for Hereditary cancer-predisposing syndrome. Last evaluated: 2023-03-23. Review status: criteria provided, single submitter. Criteria: Dines et al. (Genet Med. 2020). Collection method: curation. Allele origin: germline.
Comment: Missense variant in a coldspot region where missense variants are very unlikely to be pathogenic (PMID:31911673).

BRCA1 coldspot (exon 11 using historical exon numbering). Reclassification based on statistical prior probability

Labcorp Genetics (formerly Invitae), Labcorp
Classification: Uncertain significance for Hereditary breast ovarian cancer syndrome. Last evaluated: 2018-08-04. Review status: criteria provided, single submitter. Criteria: Invitae Variant Classification Sherloc (09022015). Collection method: clinical testing. Allele origin: germline.
Comment: Algorithms developed to predict the effect of missense changes on protein structure and function (SIFT, PolyPhen-2, Align-GVGD) all suggest that this variant is likely to be tolerated, but these predictions have not been confirmed by published functional studies and their clinical significance is uncertain. In summary, the available evidence is currently insufficient to determine the role of this variant in disease. Therefore, it has been classified as a Variant of Uncertain Significance. This variant has not been reported in the literature in individuals with BRCA1-related disease. This variant is not present in population databases (ExAC no frequency). This sequence change replaces glutamic acid with aspartic acid at codon 255 of the BRCA1 protein (p.Glu255Asp). The glutamic acid residue is moderately conserved and there is a small physicochemical difference between glutamic acid and aspartic acid.